The following is an entry in ClinVar:

ClinVar aggregate classification (germline): Likely benign (0 of 4 stars; one submission).

Conditions:
LEPR-related disorder. Also called: LEPR-related condition; LEPR-related disorders.

Allele frequency attached by ClinVar (database versions not stated): TOPMed below 0.00001; gnomAD exomes 0.00001.
gnomAD v4.1: 10 of 1,613,302 alleles (0.00062%); highest among the groups gnomAD compares: Non-Finnish European, 0.00076%; no homozygotes.

Submission:

PreventionGenetics, part of Exact Sciences
Classification: Likely benign for LEPR-related condition. Last evaluated: 2022-08-31. Review status: no assertion criteria provided. Collection method: clinical testing. Allele origin: germline.
Comment: This variant is classified as likely benign based on ACMG/AMP sequence variant interpretation guidelines (Richards et al. 2015 PMID: 25741868, with internal and published modifications).

NM_002303.6(LEPR):c.1020T>C (p.Ile340=)

Gene: LEPR (leptin receptor; plus strand). Cytogenetic location: 1p31.3.
Variant type: single nucleotide variant.
Coding change: c.1020T>C on transcript NM_002303.6 (MANE Select); coding-DNA position 1020, T replaced by C.
Protein change: p.Ile340=; no amino-acid change (isoleucine 340 retained).
Molecular consequence: synonymous variant.
Genome position (GRCh38, 1-based): chr1:65,601,417, T>C. VCF-style: chr1-65601417-T-C. GRCh37 (hg19) VCF-style: chr1-66067100-T-C.
Other names: c.1020T>C, p.Ile340= (NM_001003679.3, NM_001003680.3, NM_001198687.2 and 2 more transcripts).
Identifiers: ClinVar variation 3034596 (VCV003034596.2), dbSNP rs1230200461, ClinGen allele CA418228025.
Genomic context (GRCh38, chr1:65,601,417, plus strand): 5'-GTCTTCATCTGATATCCTTTCTTCCCTCATTACAGATGTCATATACTTTCCACCTAAAAT[T>C]CTGACAAGTGTTGGGTCTAATGTTTCTTTTCACTGCATCTATAAGAAGGAAAACAAGATT-3'
Protein context (NP_002294.2, residues 330-350): TQDVIYFPPK[Ile340=]LTSVGSNVSF